The following is an entry in ClinVar:

ClinVar aggregate classification (germline): Uncertain significance (1 of 4 stars; one submission).

Submission:

GeneDx
Classification: Uncertain significance. Last evaluated: 2023-05-26. Review status: criteria provided, single submitter. Criteria: GeneDx Variant Classification Process June 2021. Collection method: clinical testing. Allele origin: germline. Affected: yes.
Comment: Not observed at significant frequency in large population cohorts (gnomAD); In silico analysis supports that this missense variant does not alter protein structure/function; Has not been previously published as pathogenic or benign to our knowledge

NM_003128.3(SPTBN1):c.5290G>A (p.Glu1764Lys)

Gene: SPTBN1 (spectrin beta, non-erythrocytic 1; plus strand). Cytogenetic location: 2p16.2.
Variant type: single nucleotide variant.
Coding change: c.5290G>A on transcript NM_003128.3 (MANE Select); coding-DNA position 5290, G replaced by A.
Protein change: p.Glu1764Lys; replaces glutamic acid 1764 with lysine.
Molecular consequence: missense variant.
Genome position (GRCh38, 1-based): chr2:54,649,702, G>A. VCF-style: chr2-54649702-G-A. GRCh37 (hg19) VCF-style: chr2-54876839-G-A.
Other names: c.5251G>A, p.Glu1751Lys (NM_178313.3); short protein forms E1751K, E1764K.
Identifiers: ClinVar variation 3343810 (VCV003343810.1).
Genomic context (GRCh38, chr2:54,649,702, plus strand): 5'-GCCCGAGACACCGGGAACATTGGGCAGGAGCGCGTGGACACGGTCAATCACCTGGCAGAT[G>A]AGCTCATCAACTCTGGACATTCAGATGCCGCCACCATCGCTGAATGGAAGGATGGCCTCA-3'
Protein context (NP_003119.2, residues 1754-1774): RVDTVNHLAD[Glu1764Lys]LINSGHSDAA